The following is an entry in ClinVar:

NM_006904.7(PRKDC):c.8374A>G (p.Thr2792Ala)

Gene: PRKDC (protein kinase, DNA-activated, catalytic subunit; minus strand). Cytogenetic location: 8q11.21.
Variant type: single nucleotide variant.
Coding change: c.8374A>G on transcript NM_006904.7 (MANE Select); coding-DNA position 8374, A replaced by G.
Protein change: p.Thr2792Ala; replaces threonine 2792 with alanine.
Molecular consequence: missense variant.
Genome position (GRCh38, 1-based): chr8:47,830,628, T>C on the plus strand (A>G on the coding strand, the complement: PRKDC is on the minus strand). VCF-style: chr8-47830628-T-C. GRCh37 (hg19) VCF-style: chr8-48743189-T-C.
Other names: c.8374A>G, p.Thr2792Ala (NM_001081640.2); short protein forms T2792A.
Identifiers: ClinVar variation 3717024 (VCV003717024.2).

ClinVar aggregate classification (germline): Uncertain significance (1 of 4 stars; one submission).

Conditions:
Severe combined immunodeficiency due to DNA-PKcs deficiency. Also called: IMMUNODEFICIENCY 26 WITH NEUROLOGIC ABNORMALITIES; Immunodeficiency 26 with or without neurologic abnormalities. Identifiers: Orphanet 317425, MedGen C4014833, MONDO:0014423, OMIM 615966.

gnomAD v4.1: 96 of 1,613,644 alleles (0.0059%); highest among the groups gnomAD compares: South Asian, 0.099%; no homozygotes.

Submission:

Labcorp Genetics (formerly Invitae), Labcorp
Classification: Uncertain significance for Severe combined immunodeficiency due to DNA-PKcs deficiency. Last evaluated: 2025-12-01. Review status: criteria provided, single submitter. Criteria: Invitae Variant Classification Sherloc (09022015). Collection method: clinical testing. Allele origin: germline.
Comment: This sequence change replaces threonine, which is neutral and polar, with alanine, which is neutral and non-polar, at codon 2792 of the PRKDC protein (p.Thr2792Ala). This variant is present in population databases (rs558558313, gnomAD 0.1%). This variant has not been reported in the literature in individuals affected with PRKDC-related conditions. ClinVar contains an entry for this variant (Variation ID: 3717024). Invitae Evidence Modeling of protein sequence and biophysical properties (such as structural, functional, and spatial information, amino acid conservation, physicochemical variation, residue mobility, and thermodynamic stability) indicates that this missense variant is not expected to disrupt PRKDC protein function with a negative predictive value of 80%. In summary, the available evidence is currently insufficient to determine the role of this variant in disease. Therefore, it has been classified as a Variant of Uncertain Significance.